The following is an entry in ClinVar:

ClinVar aggregate classification (germline): Pathogenic (1 of 4 stars; one submission).

gnomAD v4.1: 1 of 1,613,310 alleles (0.000062%); no homozygotes.

Submission:

Labcorp Genetics (formerly Invitae), Labcorp
Classification: Pathogenic. Last evaluated: 2022-03-26. Review status: criteria provided, single submitter. Criteria: Invitae Variant Classification Sherloc (09022015). Collection method: clinical testing. Allele origin: germline.
Comment: This variant is not present in population databases (gnomAD no frequency). For these reasons, this variant has been classified as Pathogenic. This variant has not been reported in the literature in individuals affected with CYP2R1-related conditions. This sequence change creates a premature translational stop signal (p.Cys98*) in the CYP2R1 gene. It is expected to result in an absent or disrupted protein product. Loss-of-function variants in CYP2R1 are known to be pathogenic (PMID: 15128933, 22855339, 25942481, 33715104).

Literature cited by the submitters: PubMed 15128933; PubMed 22855339; PubMed 25942481; PubMed 33715104.

NM_024514.5(CYP2R1):c.294C>A (p.Cys98Ter)

Genes: CYP2R1 (cytochrome P450 family 2 subfamily R member 1; minus strand), PDE3B (phosphodiesterase 3B; plus strand). Cytogenetic location: 11p15.2.
Variant type: single nucleotide variant.
Coding change: c.294C>A on transcript NM_024514.5 (MANE Select); coding-DNA position 294, C replaced by A.
Protein change: p.Cys98Ter; replaces cysteine 98 with a stop codon.
Molecular consequence: nonsense. On other transcripts: 5 prime UTR variant (9), missense variant (4), non-coding transcript variant (12).
Genome position (GRCh38, 1-based): chr11:14,885,849, G>T on the plus strand (C>A on the coding strand, the complement: CYP2R1 is on the minus strand). VCF-style: chr11-14885849-G-T. GRCh37 (hg19) VCF-style: chr11-14907395-G-T.
Other names: c.-52C>A (NM_001377214.1, NM_001377215.1, NM_001377216.1 and 6 more transcripts); c.132C>A, p.Cys44Ter (NM_001377217.1); c.4C>A, p.Pro2Thr (NM_001400562.1, NM_001400563.1, NM_001400564.1 and 1 more transcripts); c.150C>A, p.Cys50Ter (NM_001400567.1); c.249C>A, p.Cys83Ter (NM_001400568.1); short protein forms C83*, P2T, C44*, C50*, C98*.
Identifiers: ClinVar variation 2117407 (VCV002117407.4), dbSNP rs1848596931, ClinGen allele CA379733473.